The following is an entry in ClinVar:

ClinVar aggregate classification (germline): Uncertain significance. Review status: criteria provided, multiple submitters, no conflicts (2 of 4 stars). 4 submissions from 4 submitters: Uncertain significance (4). Last evaluated 2022-06-11.

Conditions:
Charcot-Marie-Tooth disease axonal type 2S. Also called: CHARCOT-MARIE-TOOTH NEUROPATHY, TYPE 2S; CHARCOT-MARIE-TOOTH DISEASE, AXONAL, AUTOSOMAL RECESSIVE, TYPE 2S. Identifiers: Orphanet 443073, MedGen C4015349, MONDO:0014511, OMIM 616155.
Autosomal recessive distal spinal muscular atrophy 1. Also called: HMN VI; NEURONOPATHY, SEVERE INFANTILE AXONAL, WITH RESPIRATORY FAILURE; SEVERE INFANTILE AXONAL NEUROPATHY WITH RESPIRATORY FAILURE; SPINAL MUSCULAR ATROPHY, DIAPHRAGMATIC; Spinal muscular atrophy with respiratory distress 1; NEURONOPATHY, DISTAL HEREDITARY MOTOR, HARDING TYPE VI. Identifiers: Orphanet 98920, MedGen C1858517, MONDO:0011436, OMIM 604320.
Inborn genetic diseases. Identifiers: MedGen C0950123, MeSH D030342.
Charcot-Marie-Tooth disease. Also called: Charcot-Marie-Tooth Neuropathy; Charcot-Marie-Tooth Hereditary Neuropathy. Identifiers: Orphanet 166, MedGen C0007959, MONDO:0015626.

Allele frequency attached by ClinVar (database versions not stated): gnomAD exomes 0.00001 and 0.00004; ExAC 0.00002; TOPMed 0.00003; gnomAD 0.00004 and 0.00005; ESP Exome Variant Server 0.00008.
gnomAD v4.1: 59 of 1,613,036 alleles (0.0037%); highest among the groups gnomAD compares: Non-Finnish European, 0.0049%; no homozygotes.

Submissions (4):

Labcorp Genetics (formerly Invitae), Labcorp
Classification: Uncertain significance for Autosomal recessive distal spinal muscular atrophy 1; Charcot-Marie-Tooth disease axonal type 2S. Last evaluated: 2022-06-11. Review status: criteria provided, single submitter. Criteria: Invitae Variant Classification Sherloc (09022015). Collection method: clinical testing. Allele origin: germline.
Comment: This sequence change replaces alanine, which is neutral and non-polar, with glycine, which is neutral and non-polar, at codon 447 of the IGHMBP2 protein (p.Ala447Gly). This variant is present in population databases (rs144240271, gnomAD 0.004%). This missense change has been observed in individual(s) with clinical features of Charcot-Marie-Tooth disease (PMID: 32376792). ClinVar contains an entry for this variant (Variation ID: 305845). Advanced modeling of protein sequence and biophysical properties (such as structural, functional, and spatial information, amino acid conservation, physicochemical variation, residue mobility, and thermodynamic stability) performed at Invitae indicates that this missense variant is not expected to disrupt IGHMBP2 protein function. Algorithms developed to predict the effect of sequence changes on RNA splicing suggest that this variant may create or strengthen a splice site. In summary, the available evidence is currently insufficient to determine the role of this variant in disease. Therefore, it has been classified as a Variant of Uncertain Significance.

Ambry Genetics
Classification: Uncertain significance for Inborn genetic diseases. Last evaluated: 2022-02-08. Review status: criteria provided, single submitter. Criteria: Ambry Variant Classification Scheme 2023. Collection method: clinical testing. Allele origin: germline.
Comment: The p.A447G variant (also known as c.1340C>G), located in coding exon 9 of the IGHMBP2 gene, results from a C to G substitution at nucleotide position 1340. The alanine at codon 447 is replaced by glycine, an amino acid with similar properties. This amino acid position is well conserved in available vertebrate species. In addition, the in silico prediction for this alteration is inconclusive. Since supporting evidence is limited at this time, the clinical significance of this alteration remains unclear.

Illumina Laboratory Services, Illumina
Classification: Uncertain significance for Autosomal recessive distal spinal muscular atrophy 1. Last evaluated: 2018-01-12. Review status: criteria provided, single submitter. Criteria: ICSL Variant Classification Criteria 13 December 2019. Collection method: clinical testing. Allele origin: germline.

Molecular Genetics Laboratory, London Health Sciences Centre
Classification: Uncertain significance for Charcot-Marie-Tooth disease. Review status: criteria provided, single submitter. Criteria: ACMG Guidelines, 2015. Collection method: clinical testing. Allele origin: germline. Affected: yes.

Literature cited by the submitters: PubMed 32376792 (cited by Labcorp Genetics (formerly Invitae), Labcorp).

NM_002180.3(IGHMBP2):c.1340C>G (p.Ala447Gly)

Gene: IGHMBP2 (immunoglobulin mu DNA binding protein 2; plus strand). Cytogenetic location: 11q13.3.
Variant type: single nucleotide variant.
Coding change: c.1340C>G on transcript NM_002180.3 (MANE Select); coding-DNA position 1340, C replaced by G.
Protein change: p.Ala447Gly; replaces alanine 447 with glycine.
Molecular consequence: missense variant.
Genome position (GRCh38, 1-based): chr11:68,933,403, C>G. VCF-style: chr11-68933403-C-G. GRCh37 (hg19) VCF-style: chr11-68700871-C-G.
Other names: short protein forms A447G.
Identifiers: ClinVar variation 305845 (VCV000305845.12), dbSNP rs144240271, ClinGen allele CA6153611.